The following is an entry in ClinVar:

ClinVar aggregate classification (germline): Likely pathogenic (1 of 4 stars; one submission).

Conditions:
Acute myeloid leukemia (AML). Also called: Leukemia, acute myeloid, somatic; Leukemia, acute myelogenous, somatic; Acute myeloid leukemia, adult; AML adult; Acute non-lymphocytic leukemia; Acute granulocytic leukemia. Identifiers: Orphanet 519, MedGen C0023467, MeSH D015470, MONDO:0018874, OMIM 601626, HP:0004808. Disease mechanism: Constitutively activated FLT3.

Submission:

Genomic Diagnostics Laboratory, National Institute of Medical Genomics
Classification: Likely pathogenic for Acute myeloid leukemia. Review status: criteria provided, single submitter. Criteria: AMP Guidelines, 2017. Collection method: clinical testing. Allele origin: somatic. Affected: yes.
Comment: The variant was detected in bone marrow from patients, but it was not confirmed in the matched

NM_004364.5(CEBPA):c.926_932delinsT (p.Glu309_Gln311delinsVal)

Gene: CEBPA (CCAAT enhancer binding protein alpha; minus strand). Cytogenetic location: 19q13.11.
Variant type: Indel.
Coding change: c.926_932delinsT on transcript NM_004364.5 (MANE Select); coding-DNA positions 926 to 932, AGACGCA replaced by T.
Protein change: p.Glu309_Gln311delinsVal.
Molecular consequence: inframe indel.
Genome position (GRCh38, 1-based): chr19:33,301,483-33,301,489, TGCGTCT replaced by A on the plus strand (AGACGCA replaced by T on the coding strand, the reverse complement: CEBPA is on the minus strand). VCF-style: chr19-33301483-TGCGTCT-A. GRCh37 (hg19) VCF-style: chr19-33792389-TGCGTCT-A.
Other names: c.569_575delinsT, p.Glu190_Gln192delinsVal (NM_001285829.2); c.1031_1037delinsT, p.Glu344_Gln346delinsVal (NM_001287424.2); c.884_890delinsT, p.Glu295_Gln297delinsVal (NM_001287435.2); c.926_932delAGACGCAinsT (NM_004364.5).
Identifiers: ClinVar variation 1343794 (VCV001343794.1), dbSNP rs2513328406, ClinGen allele CA2580096792.